The following is an entry in ClinVar:

ClinVar aggregate classification (germline): Uncertain significance. Review status: criteria provided, multiple submitters, no conflicts (2 of 4 stars). 3 submissions from 3 submitters: Uncertain significance (3). Last evaluated 2026-08-16.

Conditions:
Familial thoracic aortic aneurysm and aortic dissection (TAAD). Also called: Thoracic aortic aneurysms and dissections. Identifiers: Orphanet 91387, MedGen C4707243, MONDO:0019625.
Ehlers-Danlos syndrome, type 4 (EDSVASC). Also called: Ehlers-Danlos syndrome vascular type; Ehlers Danlos syndrome, ecchymotic type; Ehlers Danlos syndrome, arterial type; Ehlers Danlos syndrome, Sack-Barabas type; Ehlers-Danlos Syndrome Type IV. Identifiers: Orphanet 286, MedGen C0268338, MONDO:0017314, OMIM 130050.

Allele frequency attached by ClinVar (database versions not stated): gnomAD exomes below 0.00001.
gnomAD v4.1: 2 of 1,613,730 alleles (0.00012%); highest among the groups gnomAD compares: Non-Finnish European, 0.00017%; no homozygotes.

Submissions (3):

Ambry Genetics
Classification: Uncertain significance for Familial thoracic aortic aneurysm and aortic dissection. Last evaluated: 2026-08-16. Review status: criteria provided, single submitter. Criteria: Ambry Variant Classification Scheme 2023. Collection method: clinical testing. Allele origin: germline.
Comment: The p.E559K variant (also known as c.1675G>A), located in coding exon 24 of the COL3A1 gene, results from a G to A substitution at nucleotide position 1675. The glutamic acid at codon 559 is replaced by lysine, an amino acid with similar properties. This amino acid position is well conserved in available vertebrate species. In addition, the in silico prediction for this alteration is inconclusive. Based on the available evidence, the clinical significance of this variant remains unclear.

Labcorp Genetics (formerly Invitae), Labcorp
Classification: Uncertain significance for Ehlers-Danlos syndrome, type 4. Last evaluated: 2024-08-23. Review status: criteria provided, single submitter. Criteria: Invitae Variant Classification Sherloc (09022015). Collection method: clinical testing. Allele origin: germline.
Comment: This sequence change replaces glutamic acid, which is acidic and polar, with lysine, which is basic and polar, at codon 559 of the COL3A1 protein (p.Glu559Lys). This variant is not present in population databases (gnomAD no frequency). This variant has not been reported in the literature in individuals affected with COL3A1-related conditions. ClinVar contains an entry for this variant (Variation ID: 2165163). Invitae Evidence Modeling of protein sequence and biophysical properties (such as structural, functional, and spatial information, amino acid conservation, physicochemical variation, residue mobility, and thermodynamic stability) indicates that this missense variant is not expected to disrupt COL3A1 protein function with a negative predictive value of 95%. In summary, the available evidence is currently insufficient to determine the role of this variant in disease. Therefore, it has been classified as a Variant of Uncertain Significance.

Color Diagnostics, LLC DBA Color Health
Classification: Uncertain significance for Familial thoracic aortic aneurysm and aortic dissection. Last evaluated: 2023-11-06. Review status: criteria provided, single submitter. Criteria: ACMG Guidelines, 2015. Collection method: clinical testing. Allele origin: germline.
Comment: This missense variant replaces glutamic acid with lysine at codon 559 of the COL3A1 protein. Computational prediction suggests that this variant may not impact protein structure and function (internally defined REVEL score threshold <= 0.5, PMID: 27666373). To our knowledge, functional studies have not been reported for this variant. This variant has not been reported in individuals affected with COL3A1-related disorders in the literature. This variant has not been identified in the general population by the Genome Aggregation Database (gnomAD). The available evidence is insufficient to determine the role of this variant in disease conclusively. Therefore, this variant is classified as a Variant of Uncertain Significance.

NM_000090.4(COL3A1):c.1675G>A (p.Glu559Lys)

Gene: COL3A1 (collagen type III alpha 1 chain; plus strand). Cytogenetic location: 2q32.2.
Variant type: single nucleotide variant.
Coding change: c.1675G>A on transcript NM_000090.4 (MANE Select); coding-DNA position 1675, G replaced by A.
Protein change: p.Glu559Lys; replaces glutamic acid 559 with lysine.
Molecular consequence: missense variant.
Genome position (GRCh38, 1-based): chr2:188,996,410, G>A. VCF-style: chr2-188996410-G-A. GRCh37 (hg19) VCF-style: chr2-189861136-G-A.
Other names: short protein forms E559K.
Identifiers: ClinVar variation 2165163 (VCV002165163.7), dbSNP rs2469135296, ClinGen allele CA349852583.